The following is an entry in ClinVar:

NM_025137.4(SPG11):c.6945C>G (p.Asn2315Lys)

Gene: SPG11 (SPG11 vesicle trafficking associated, spatacsin; minus strand). Cytogenetic location: 15q21.1.
Variant type: single nucleotide variant.
Coding change: c.6945C>G on transcript NM_025137.4 (MANE Select); coding-DNA position 6945, C replaced by G.
Protein change: p.Asn2315Lys; replaces asparagine 2315 with lysine.
Molecular consequence: missense variant.
Genome position (GRCh38, 1-based): chr15:44,565,908, G>C on the plus strand (C>G on the coding strand, the complement: SPG11 is on the minus strand). VCF-style: chr15-44565908-G-C. GRCh37 (hg19) VCF-style: chr15-44858106-G-C.
Other names: c.6606C>G, p.Asn2202Lys (NM_001160227.2); short protein forms N2202K, N2315K.
Identifiers: ClinVar variation 837073 (VCV000837073.9), dbSNP rs1322340631, ClinGen allele CA392213131.
Genomic context (GRCh38, chr15:44,565,908, plus strand): 5'-GCTCACCTGGTAGAACCGAGGTAGGGCCAGAATACAGTCCATCAGCTTGTGGCGGCCCAA[G>C]TTGATGAGCATTGTGTTCTGGCCAGTGTTCAGAAAGTGAATCTGCAGAGTTATCAACTTG-3'
Protein context (NP_079413.3, residues 2305-2325): LNTGQNTMLI[Asn2315Lys]LGRHKLMDCI

ClinVar aggregate classification (germline): Uncertain significance (1 of 4 stars; one submission).

Conditions:
Hereditary spastic paraplegia 11. Also called: Spastic paraplegia, mental retardation and thin corpus callosum; Nakamura Osame syndrome; Autosomal recessive hereditary spastic paraplegia, mental impairment, and thin corpus callosum; SPASTIC PARAPLEGIA, AUTOSOMAL RECESSIVE, COMPLICATED, WITH THIN CORPUS CALLOSUM; SPASTIC PARAPLEGIA, AUTOSOMAL RECESSIVE, WITH MENTAL IMPAIRMENT AND THIN CORPUS CALLOSUM; Spastic Paraplegia 11. Identifiers: Orphanet 2822, MedGen C1858479, MONDO:0011445, OMIM 604360.

Allele frequency attached by ClinVar (database versions not stated): TOPMed below 0.00001.
gnomAD v4.1: 1 of 1,613,700 alleles (0.000062%); highest among the groups gnomAD compares: Non-Finnish European, 0.000085%; no homozygotes.

Submission:

Labcorp Genetics (formerly Invitae), Labcorp
Classification: Uncertain significance for Hereditary spastic paraplegia 11. Last evaluated: 2019-12-17. Review status: criteria provided, single submitter. Criteria: Invitae Variant Classification Sherloc (09022015). Collection method: clinical testing. Allele origin: germline.
Comment: This variant has not been reported in the literature in individuals with SPG11-related conditions. In summary, the available evidence is currently insufficient to determine the role of this variant in disease. Therefore, it has been classified as a Variant of Uncertain Significance. Algorithms developed to predict the effect of missense changes on protein structure and function are either unavailable or do not agree on the potential impact of this missense change (SIFT: "Tolerated"; PolyPhen-2: "Possibly Damaging"; Align-GVGD: "Class C0"). This variant is not present in population databases (ExAC no frequency). This sequence change replaces asparagine with lysine at codon 2315 of the SPG11 protein (p.Asn2315Lys). The asparagine residue is highly conserved and there is a moderate physicochemical difference between asparagine and lysine.